The following is an entry in ClinVar:

ClinVar aggregate classification (germline): Benign. Review status: criteria provided, multiple submitters, no conflicts (2 of 4 stars). 3 submissions from 3 submitters: Benign (2). 1 of the submissions does not count toward it. Last evaluated 2019-12-31.

Conditions:
CLASP2-related disorder. Also called: CLASP2-related condition.

Allele frequency attached by ClinVar (database versions not stated): gnomAD exomes 0.00110 and 0.00666; ExAC 0.00152; gnomAD 0.00411 and 0.00432; 1000 Genomes Project 0.00559; 1000 Genomes Project 30x 0.00593; TOPMed 0.00749.
gnomAD v4.1: 2,093 of 1,430,418 alleles (0.15%); highest among the groups gnomAD compares: Admixed American, 4.6%; 61 homozygotes.

Submissions (3):

Labcorp Genetics (formerly Invitae), Labcorp
Classification: Benign. Last evaluated: 2019-12-31. Review status: criteria provided, single submitter. Criteria: Invitae Variant Classification Sherloc (09022015). Collection method: clinical testing. Allele origin: germline.

Breakthrough Genomics
Classification: Benign. Review status: criteria provided, single submitter. Criteria: ACMG Guidelines, 2015. Collection method: not provided. Allele origin: germline. Inheritance: Unknown mechanism. Affected: yes.

PreventionGenetics, part of Exact Sciences
Classification: Benign for CLASP2-related condition. Last evaluated: 2019-07-01. Review status: no assertion criteria provided. Collection method: clinical testing. Allele origin: germline. Not counted in ClinVar's aggregate classification.
Comment: This variant is classified as benign based on ACMG/AMP sequence variant interpretation guidelines (Richards et al. 2015 PMID: 25741868, with internal and published modifications).

NM_001365631.1(CLASP2):c.1949-9C>T

Gene: CLASP2 (cytoplasmic linker associated protein 2; minus strand). Cytogenetic location: 3p22.3.
Variant type: single nucleotide variant.
Coding change: c.1949-9C>T on transcript NM_001365631.1 (MANE Select); 9 bases into the intron before coding-DNA position 1949, C replaced by T.
Molecular consequence: intron variant.
Genome position (GRCh38, 1-based): chr3:33,594,977, G>A on the plus strand (C>T on the coding strand, the complement: CLASP2 is on the minus strand). VCF-style: chr3-33594977-G-A. GRCh37 (hg19) VCF-style: chr3-33636469-G-A.
Other names: c.1628-2481C>T (NM_001375713.1); c.1925-2481C>T (NM_001375705.1, NM_001365634.1, NM_001365630.1); c.1925-9C>T (NM_001375697.1); c.1949-9C>T (NM_001365632.1, NM_001375694.1, NM_001365627.1 and 2 more transcripts); c.1928-2481C>T (NM_001375703.1, NM_001365633.1); c.1952-9C>T (NM_001375701.1, NM_015097.3, NM_001365628.1); c.1250-9C>T (NM_001375720.1, NM_001375715.1, NM_001207044.3); c.1268-9C>T (NM_001375718.1); and 1 more.
Identifiers: ClinVar variation 770138 (VCV000770138.7), dbSNP rs189919699, ClinGen allele CA2302737.